The following is an entry in ClinVar:

NM_198525.3(KIF7):c.2896-14G>A

Gene: KIF7 (kinesin family member 7; minus strand). Cytogenetic location: 15q26.1.
Variant type: single nucleotide variant.
Coding change: c.2896-14G>A on transcript NM_198525.3 (MANE Select); 14 bases into the intron before coding-DNA position 2896, G replaced by A.
Molecular consequence: intron variant.
Genome position (GRCh38, 1-based): chr15:89,631,724, C>T on the plus strand (G>A on the coding strand, the complement: KIF7 is on the minus strand). VCF-style: chr15-89631724-C-T. GRCh37 (hg19) VCF-style: chr15-90174955-C-T.
Identifiers: ClinVar variation 96652 (VCV000096652.31), dbSNP rs9672296, ClinGen allele CA020301.

ClinVar aggregate classification (germline): Benign. Review status: criteria provided, multiple submitters, no conflicts (2 of 4 stars). 15 submissions from 13 submitters: Benign (10). 5 of the submissions do not count toward it. Last evaluated 2026-02-04.

Conditions:
Multiple epiphyseal dysplasia, Al-Gazali type. Also called: Macrocephaly with multiple epiphyseal dysplasia and distinctive facies. Identifiers: Orphanet 166024, MedGen C1846722, MONDO:0011778, OMIM 607131.
Hydrolethalus syndrome 2 (HLS2). Identifiers: Orphanet 2189, MedGen C3279899, MONDO:0013585, OMIM 614120.
Acrocallosal syndrome (ACLS). Also called: HALLUX DUPLICATION, POSTAXIAL POLYDACTYLY, AND ABSENCE OF CORPUS CALLOSUM; Schinzel syndrome 1; Absence of corpus callosum with unusual facial appearance, mental deficiency, duplication of the halluces and polydactyly. Identifiers: Orphanet 36, MedGen C0796147, MONDO:0008708, OMIM 200990.

Allele frequency attached by ClinVar (database versions not stated): 1000 Genomes Project 0.45108; 1000 Genomes Project 30x 0.45503; gnomAD exomes 0.51308 and 0.56565; TOPMed 0.51630; gnomAD 0.53111 and 0.53577; ExAC 0.54163; ESP Exome Variant Server 0.55927.
gnomAD v4.1: 865,778 of 1,542,734 alleles (56%); highest among the groups gnomAD compares: Non-Finnish European, 59%; 246,102 homozygotes.

Submissions (15):

Labcorp Genetics (formerly Invitae), Labcorp
Classification: Benign for Acrocallosal syndrome. Last evaluated: 2026-02-04. Review status: criteria provided, single submitter. Criteria: Invitae Variant Classification Sherloc (09022015). Collection method: clinical testing. Allele origin: germline.

Blueprint Genetics
Classification: Benign. Last evaluated: 2024-11-28. Review status: criteria provided, single submitter. Criteria: ACMG Guidelines, 2015. Collection method: clinical testing. Allele origin: germline.

Genome-Nilou Lab
Classification: Benign for Multiple epiphyseal dysplasia, Al-Gazali type. Last evaluated: 2021-08-19. Review status: criteria provided, single submitter. Criteria: ACMG Guidelines, 2015. Collection method: clinical testing. Allele origin: germline. Affected: no.

Genome-Nilou Lab
Classification: Benign for Hydrolethalus syndrome 2. Last evaluated: 2021-08-19. Review status: criteria provided, single submitter. Criteria: ACMG Guidelines, 2015. Collection method: clinical testing. Allele origin: germline. Affected: no.

Genome-Nilou Lab
Classification: Benign for Acrocallosal syndrome. Last evaluated: 2021-08-19. Review status: criteria provided, single submitter. Criteria: ACMG Guidelines, 2015. Collection method: clinical testing. Allele origin: germline. Affected: no.

Illumina Laboratory Services, Illumina
Classification: Benign for Acrocallosal syndrome. Last evaluated: 2018-01-13. Review status: criteria provided, single submitter. Criteria: ICSL Variant Classification Criteria 13 December 2019. Collection method: clinical testing. Allele origin: germline.
Comment: This variant was observed in the ICSL laboratory as part of a predisposition screen in an ostensibly healthy population. It had not been previously curated by ICSL or reported in the Human Gene Mutation Database (HGMD: prior to June 1st, 2018), and was therefore a candidate for classification through an automated scoring system. Utilizing variant allele frequency, disease prevalence and penetrance estimates, and inheritance mode, an automated score was calculated to assess if this variant is too frequent to cause the disease. Based on the score and internal cut-off values, a variant classified as benign is not then subjected to further curation. The score for this variant resulted in a classification of benign for this disease.

GeneDx
Classification: Benign. Last evaluated: 2015-03-03. Review status: criteria provided, single submitter. Criteria: GeneDx Variant Classification Process June 2021. Collection method: clinical testing. Allele origin: germline. Affected: yes.

Eurofins Ntd Llc (ga)
Classification: Benign. Last evaluated: 2014-11-14. Review status: criteria provided, single submitter. Criteria: EGL Classification Definitions 2015. Collection method: clinical testing. Allele origin: germline. Observed: 2 variant alleles, 1 heterozygote, 1 homozygote.

Breakthrough Genomics
Classification: Benign. Review status: criteria provided, single submitter. Criteria: ACMG Guidelines, 2015. Collection method: not provided. Allele origin: germline. Inheritance: Autosomal recessive inheritance. Affected: yes.

PreventionGenetics, part of Exact Sciences
Classification: Benign. Review status: criteria provided, single submitter. Criteria: ACMG Guidelines, 2015. Collection method: clinical testing. Allele origin: germline.

Clinical Genetics DNA and cytogenetics Diagnostics Lab, Erasmus MC, Erasmus Medical Center
Classification: Benign. Review status: no assertion criteria provided. Collection method: clinical testing. Allele origin: germline. Affected: yes. Study: VKGL Data-share Consensus. Not counted in ClinVar's aggregate classification.

Clinical Genetics, Academic Medical Center
Classification: Benign. Review status: no assertion criteria provided. Collection method: clinical testing. Allele origin: germline. Affected: yes. Study: VKGL Data-share Consensus. Not counted in ClinVar's aggregate classification.

Diagnostic Laboratory, Department of Genetics, University Medical Center Groningen
Classification: Benign. Review status: no assertion criteria provided. Collection method: clinical testing. Allele origin: germline. Affected: yes. Study: VKGL Data-share Consensus. Not counted in ClinVar's aggregate classification.

Genome Diagnostics Laboratory, University Medical Center Utrecht
Classification: Benign. Review status: no assertion criteria provided. Collection method: clinical testing. Allele origin: germline. Affected: yes. Study: VKGL Data-share Consensus. Not counted in ClinVar's aggregate classification.

Joint Genome Diagnostic Labs from Nijmegen and Maastricht, Radboudumc and MUMC+
Classification: Benign. Review status: no assertion criteria provided. Collection method: clinical testing. Allele origin: germline. Affected: yes. Study: VKGL Data-share Consensus. Not counted in ClinVar's aggregate classification.